The following is an entry in ClinVar:

ClinVar aggregate classification (germline): Likely benign. Review status: criteria provided, multiple submitters, no conflicts (2 of 4 stars). 3 submissions from 3 submitters: Likely benign (3). Last evaluated 2025-10-13.

Conditions:
POLD1-related polyposis and colorectal cancer syndrome (CRCS10). Also called: COLORECTAL CANCER, SUSCEPTIBILITY TO, ON CHROMOSOME 19q; Colorectal cancer 10; Colorectal cancer, susceptibility to, 10. Identifiers: Orphanet 220460, MedGen C2675481, MONDO:0012953, OMIM 612591.
Hereditary cancer-predisposing syndrome. Also called: Hereditary Cancer Syndrome; Neoplastic Syndromes, Hereditary; Hereditary neoplastic syndrome; Tumor predisposition. Identifiers: Orphanet 140162, MedGen C0027672, MeSH D009386, MONDO:0015356.

Allele frequency attached by ClinVar (database versions not stated): TOPMed below 0.00001; gnomAD 0.00002.
gnomAD v4.1: 8 of 1,604,516 alleles (0.0005%); highest among the groups gnomAD compares: Non-Finnish European, 0.00068%; no homozygotes.

Submissions (3):

Labcorp Genetics (formerly Invitae), Labcorp
Classification: Likely benign for POLD1-related polyposis and colorectal cancer syndrome. Last evaluated: 2025-10-13. Review status: criteria provided, single submitter. Criteria: Invitae Variant Classification Sherloc (09022015). Collection method: clinical testing. Allele origin: germline.

Ambry Genetics
Classification: Likely benign for Hereditary cancer-predisposing syndrome. Last evaluated: 2016-07-25. Review status: criteria provided, single submitter. Criteria: Ambry Variant Classification Scheme 2023. Collection method: clinical testing. Allele origin: germline.

GeneDx
Classification: Likely benign. Last evaluated: 2016-07-13. Review status: criteria provided, single submitter. Criteria: GeneDx Variant Classification (06012015). Collection method: clinical testing. Allele origin: germline. Affected: yes.
Comment: This variant is considered likely benign or benign based on one or more of the following criteria: it is a conservative change, it occurs at a poorly conserved position in the protein, it is predicted to be benign by multiple in silico algorithms, and/or has population frequency not consistent with disease.

NM_002691.4(POLD1):c.2436G>C (p.Leu812=)

Gene: POLD1 (DNA polymerase delta 1, catalytic subunit; plus strand). Cytogenetic location: 19q13.33.
Variant type: single nucleotide variant.
Coding change: c.2436G>C on transcript NM_002691.4 (MANE Select); coding-DNA position 2436, G replaced by C.
Protein change: p.Leu812=; no amino-acid change (leucine 812 retained).
Molecular consequence: synonymous variant. On other transcripts: non-coding transcript variant (1).
Genome position (GRCh38, 1-based): chr19:50,414,862, G>C. VCF-style: chr19-50414862-G-C. GRCh37 (hg19) VCF-style: chr19-50918119-G-C.
Other names: c.2436G>C, p.Leu812= (NM_001256849.1); c.2514G>C, p.Leu838= (NM_001308632.1).
Identifiers: ClinVar variation 239292 (VCV000239292.16), dbSNP rs878854537, ClinGen allele CA10583843.